The following is an entry in ClinVar:

NM_006947.4(SRP72):c.732G>C (p.Glu244Asp)

Gene: SRP72 (signal recognition particle 72; plus strand). Cytogenetic location: 4q12.
Variant type: single nucleotide variant.
Coding change: c.732G>C on transcript NM_006947.4 (MANE Select); coding-DNA position 732, G replaced by C.
Protein change: p.Glu244Asp; replaces glutamic acid 244 with aspartic acid.
Molecular consequence: missense variant. On other transcripts: non-coding transcript variant (1), intron variant (1).
Genome position (GRCh38, 1-based): chr4:56,478,468, G>C. VCF-style: chr4-56478468-G-C. GRCh37 (hg19) VCF-style: chr4-57344634-G-C.
Other names: c.642+1766G>C (NM_001267722.2); short protein forms E244D.
Identifiers: ClinVar variation 3371196 (VCV003371196.3).

ClinVar aggregate classification (germline): Uncertain significance. Review status: criteria provided, multiple submitters, no conflicts (2 of 4 stars). 3 submissions from 3 submitters: Uncertain significance (3). Last evaluated 2025-12-23.

Submissions (3):

Labcorp Genetics (formerly Invitae), Labcorp
Classification: Uncertain significance. Last evaluated: 2025-12-23. Review status: criteria provided, single submitter. Criteria: Invitae Variant Classification Sherloc (09022015). Collection method: clinical testing. Allele origin: germline.
Comment: This sequence change replaces glutamic acid, which is acidic and polar, with aspartic acid, which is acidic and polar, at codon 244 of the SRP72 protein (p.Glu244Asp). This variant is not present in population databases (gnomAD no frequency). This variant has not been reported in the literature in individuals affected with SRP72-related conditions. ClinVar contains an entry for this variant (Variation ID: 3371196). Invitae Evidence Modeling of protein sequence and biophysical properties (such as structural, functional, and spatial information, amino acid conservation, physicochemical variation, residue mobility, and thermodynamic stability) indicates that this missense variant is not expected to disrupt SRP72 protein function with a negative predictive value of 80%. In summary, the available evidence is currently insufficient to determine the role of this variant in disease. Therefore, it has been classified as a Variant of Uncertain Significance.

Ambry Genetics
Classification: Uncertain significance. Last evaluated: 2024-11-24. Review status: criteria provided, single submitter. Criteria: Ambry Variant Classification Scheme 2023. Collection method: clinical testing. Allele origin: germline.
Comment: The p.E244D variant (also known as c.732G>C), located in coding exon 7 of the SRP72 gene, results from a G to C substitution at nucleotide position 732. The glutamic acid at codon 244 is replaced by aspartic acid, an amino acid with highly similar properties. This amino acid position is conserved. In addition, the in silico prediction for this alteration is inconclusive. Based on the available evidence, the clinical significance of this variant remains unclear.

GeneDx
Classification: Uncertain significance. Last evaluated: 2024-03-20. Review status: criteria provided, single submitter. Criteria: GeneDx Variant Classification Process June 2021. Collection method: clinical testing. Allele origin: germline. Affected: yes.
Comment: Not observed at significant frequency in large population cohorts (gnomAD); In silico analysis supports that this missense variant does not alter protein structure/function; Has not been previously published as pathogenic or benign to our knowledge